The following is an entry in ClinVar:

NM_025137.4(SPG11):c.5966ACT[1] (p.Tyr1990del)

Gene: SPG11 (SPG11 vesicle trafficking associated, spatacsin; minus strand). Cytogenetic location: 15q21.1.
Variant type: Microsatellite.
Coding change: c.5966ACT[1] on transcript NM_025137.4 (MANE Select); one copy of the 3-base unit ACT starting at c.5966; the reference has two copies in a row; one copy, 3 bases deleted.
Protein change: p.Tyr1990del; deletes tyrosine 1990.
Molecular consequence: inframe deletion. On other transcripts: intron variant (1).
Genome position (GRCh38, 1-based): chr15:44,574,937-44,574,939, AGT deleted on the plus strand (ACT on the coding strand, the reverse complement: SPG11 is on the minus strand); deleting any 3 consecutive bases within chr15:44,574,937-44,574,942 gives the same sequence; the position shown is the placement nearest the transcript's 3' end. VCF-style (leftmost placement, unchanged base first): chr15-44574936-CAGT-C. GRCh37 (hg19) VCF-style: chr15-44867134-CAGT-C.
Other names: c.5867-2119_5867-2117del (NM_001160227.2); short protein forms Y1990del.
Identifiers: ClinVar variation 1054864 (VCV001054864.6), dbSNP rs2140931403, ClinGen allele CA2580613805.

ClinVar aggregate classification (germline): Uncertain significance (1 of 4 stars; one submission).

Conditions:
Hereditary spastic paraplegia 11. Also called: Spastic Paraplegia 11; SPASTIC PARAPLEGIA, AUTOSOMAL RECESSIVE, COMPLICATED, WITH THIN CORPUS CALLOSUM; SPASTIC PARAPLEGIA, AUTOSOMAL RECESSIVE, WITH MENTAL IMPAIRMENT AND THIN CORPUS CALLOSUM; Spastic paraplegia, mental retardation and thin corpus callosum; Nakamura Osame syndrome; Autosomal recessive hereditary spastic paraplegia, mental impairment, and thin corpus callosum. Identifiers: Orphanet 2822, MedGen C1858479, MONDO:0011445, OMIM 604360.

Submission:

Labcorp Genetics (formerly Invitae), Labcorp
Classification: Uncertain significance for Hereditary spastic paraplegia 11. Last evaluated: 2021-08-28. Review status: criteria provided, single submitter. Criteria: Invitae Variant Classification Sherloc (09022015). Collection method: clinical testing. Allele origin: germline.
Comment: This variant, c.5969_5971del, results in the deletion of 1 amino acid(s) of the SPG11 protein (p.Tyr1990del), but otherwise preserves the integrity of the reading frame. This variant is not present in population databases (ExAC no frequency). This variant has not been reported in the literature in individuals affected with SPG11-related conditions. Experimental studies and prediction algorithms are not available or were not evaluated, and the functional significance of this variant is currently unknown. In summary, the available evidence is currently insufficient to determine the role of this variant in disease. Therefore, it has been classified as a Variant of Uncertain Significance.